The following is an entry in ClinVar:

ClinVar aggregate classification (germline): Pathogenic. Review status: criteria provided, multiple submitters, no conflicts (2 of 4 stars). 2 submissions from 2 submitters: Pathogenic (2). Last evaluated 2026-03-12.

Conditions:
Glycogen storage disease type III (GSD3). Also called: FORBES DISEASE; Cori disease. Identifiers: Orphanet 366, MedGen C0017922, MONDO:0009291, OMIM 232400.

Submissions (2):

Myriad Genetics, Inc.
Classification: Pathogenic for Glycogen storage disease type III. Last evaluated: 2026-03-12. Review status: criteria provided, single submitter. Criteria: Myriad Autosomal Dominant, Autosomal Recessive and X-Linked Classification Criteria (2023). Collection method: clinical testing. Allele origin: unknown.
Comment: NM_000642.2(AGL):c.4339C>T(Q1447*) is expected to be pathogenic in the context of glycogen storage disease type III. This variant is predicted to lead to an abnormal or absent protein product due to the creation of a premature termination codon in AGL, a gene where loss-of-function variants are known to be pathogenic. Please note: this variant was assessed in the context of healthy population screening.

Labcorp Genetics (formerly Invitae), Labcorp
Classification: Pathogenic for Glycogen storage disease type III. Last evaluated: 2023-04-09. Review status: criteria provided, single submitter. Criteria: Invitae Variant Classification Sherloc (09022015). Collection method: clinical testing. Allele origin: germline.
Comment: For these reasons, this variant has been classified as Pathogenic. Algorithms developed to predict the effect of sequence changes on RNA splicing suggest that this variant may disrupt the consensus splice site. This variant has not been reported in the literature in individuals affected with AGL-related conditions. This variant is not present in population databases (gnomAD no frequency). This sequence change creates a premature translational stop signal (p.Gln1447*) in the AGL gene. It is expected to result in an absent or disrupted protein product. Loss-of-function variants in AGL are known to be pathogenic (PMID: 19299494).

Literature cited by the submitters: PubMed 19299494 (cited by Labcorp Genetics (formerly Invitae), Labcorp).

NM_000642.3(AGL):c.4339C>T (p.Gln1447Ter)

Gene: AGL (amylo-alpha-1,6-glucosidase and 4-alpha-glucanotransferase; plus strand). Cytogenetic location: 1p21.2.
Variant type: single nucleotide variant.
Coding change: c.4339C>T on transcript NM_000642.3 (MANE Select); coding-DNA position 4339, C replaced by T.
Protein change: p.Gln1447Ter; replaces glutamine 1447 with a stop codon.
Molecular consequence: nonsense.
Genome position (GRCh38, 1-based): chr1:99,916,489, C>T. VCF-style: chr1-99916489-C-T. GRCh37 (hg19) VCF-style: chr1-100382045-C-T.
Other names: c.4339C>T, p.Gln1447Ter (NM_000028.3, NM_000643.3, NM_000644.3 and 1 more transcripts); c.4291C>T, p.Gln1431Ter (NM_000646.3); c.4318C>T, p.Gln1440Ter (NM_001425326.1); c.4138C>T, p.Gln1380Ter (NM_001425327.1); c.4135C>T, p.Gln1379Ter (NM_001425328.1); c.4000C>T, p.Gln1334Ter (NM_001425329.1); c.3961C>T, p.Gln1321Ter (NM_001425332.1); short protein forms Q1334*, Q1379*, Q1431*, Q1321*, Q1380*, Q1447*, Q1440*.
Identifiers: ClinVar variation 2854171 (VCV002854171.4), dbSNP rs1655124681, ClinGen allele CA341342360.